The following is an entry in ClinVar:

ClinVar aggregate classification (germline): Benign (1 of 4 stars; one submission).

Submission:

Unidad de Genómica Garrahan, Hospital de Pediatría Garrahan
Classification: Benign. Last evaluated: 2023-11-12. Review status: criteria provided, single submitter. Criteria: ACMG Guidelines, 2015. Collection method: clinical testing. Allele origin: germline. Affected: no. Observed: 32 variant alleles.
Comment: This variant is classified as Benign based on local population frequency. This variant was detected in 33% of patients studied by a panel of primary immunodeficiencies. Number of patients: 32. Only high quality variants are reported.

NM_006254.4(PRKCD):c.315+30_315+31insGGTG

Gene: PRKCD (protein kinase C delta; plus strand). Cytogenetic location: 3p21.1.
Variant type: Insertion.
Coding change: c.315+30_315+31insGGTG on transcript NM_006254.4 (MANE Select); bases 30 to 31 of the intron after coding-DNA position 315, GGTG inserted.
Molecular consequence: intron variant.
Genome position: GRCh38 VCF-style: chr3-53179803-T-TGTGG. GRCh37 (hg19) VCF-style: chr3-53213819-T-TGTGG.
Other names: c.315+30_315+31insGGTG (NM_001354680.2, NM_001354679.2, NM_212539.2 and 1 more transcripts); c.372+30_372+31insGGTG (NM_001354676.2); c.363+30_363+31insGGTG (NM_001354678.2).
Identifiers: ClinVar variation 2628231 (VCV002628231.2), dbSNP rs2107257728, ClinGen allele CA2577791621.